The following is an entry in ClinVar:

ClinVar aggregate classification (germline): Uncertain significance (0 of 4 stars; one submission).

Conditions:
DYNC1H1-related disorder. Also called: DYNC1H1-related condition; DYNC1H1-related disorders. Identifiers: MedGen CN381529.

Submission:

PreventionGenetics, part of Exact Sciences
Classification: Uncertain significance for DYNC1H1-related condition. Last evaluated: 2024-02-29. Review status: no assertion criteria provided. Collection method: clinical testing. Allele origin: germline.
Comment: The DYNC1H1 c.12432C>G variant is predicted to result in the amino acid substitution p.Ile4144Met. To our knowledge, this variant has not been reported in the literature or in a large population database, indicating this variant is rare. At this time, the clinical significance of this variant is uncertain due to the absence of conclusive functional and genetic evidence.

NM_001376.5(DYNC1H1):c.12432C>G (p.Ile4144Met)

Gene: DYNC1H1 (dynein cytoplasmic 1 heavy chain 1; plus strand). Cytogenetic location: 14q32.31.
Variant type: single nucleotide variant.
Coding change: c.12432C>G on transcript NM_001376.5 (MANE Select); coding-DNA position 12432, C replaced by G.
Protein change: p.Ile4144Met; replaces isoleucine 4144 with methionine.
Molecular consequence: missense variant.
Genome position (GRCh38, 1-based): chr14:102,042,667, C>G. VCF-style: chr14-102042667-C-G. GRCh37 (hg19) VCF-style: chr14-102509004-C-G.
Other names: short protein forms I4144M.
Identifiers: ClinVar variation 3061257 (VCV003061257.2), dbSNP rs1567022785, ClinGen allele CA391041402.